The following is an entry in ClinVar:

NM_000052.7(ATP7A):c.3514G>A (p.Ala1172Thr)

Gene: ATP7A (ATPase copper transporting alpha; plus strand). Cytogenetic location: Xq21.1.
Variant type: single nucleotide variant.
Coding change: c.3514G>A on transcript NM_000052.7 (MANE Select); coding-DNA position 3514, G replaced by A.
Protein change: p.Ala1172Thr; replaces alanine 1172 with threonine.
Molecular consequence: missense variant. On other transcripts: non-coding transcript variant (1).
Genome position (GRCh38, 1-based): chrX:78,038,838, G>A. VCF-style: chrX-78038838-G-A. GRCh37 (hg19) VCF-style: chrX-77294336-G-A.
Other names: c.3280G>A, p.Ala1094Thr (NM_001282224.2); short protein forms A1094T, A1172T.
Identifiers: ClinVar variation 2930917 (VCV002930917.3), dbSNP rs1557237993, ClinGen allele CA413604345.

ClinVar aggregate classification (germline): Uncertain significance (1 of 4 stars; one submission).

Conditions:
Menkes kinky-hair syndrome (MNK). Also called: Copper transport disease; Menkes Disease; Classic Menkes Disease. Identifiers: Orphanet 565, MedGen C0022716, MONDO:0010651, OMIM 309400.
Cutis laxa, X-linked (OHS). Also called: EDS IX; Occipital horn syndrome. Identifiers: Orphanet 198, MedGen C0268353, MONDO:0010572, OMIM 304150.
X-linked distal spinal muscular atrophy type 3. Also called: ATP7A-Related Distal Motor Neuropathy; SPINAL MUSCULAR ATROPHY, DISTAL, X-LINKED RECESSIVE; NEURONOPATHY, DISTAL HEREDITARY MOTOR, X-LINKED; NEUROPATHY, DISTAL HEREDITARY MOTOR, X-LINKED. Identifiers: Orphanet 139557, MedGen C1845359, MONDO:0010338, OMIM 300489.

Allele frequency attached by ClinVar (database versions not stated): gnomAD exomes below 0.00001.
gnomAD v4.1: 4 of 1,209,713 alleles (0.00033%); highest among the groups gnomAD compares: South Asian, 0.0035%; no homozygotes.

Submission:

Labcorp Genetics (formerly Invitae), Labcorp
Classification: Uncertain significance for X-linked distal spinal muscular atrophy type 3; Cutis laxa, X-linked; Menkes kinky-hair syndrome. Last evaluated: 2023-12-01. Review status: criteria provided, single submitter. Criteria: Invitae Variant Classification Sherloc (09022015). Collection method: clinical testing. Allele origin: germline.
Comment: This sequence change replaces alanine, which is neutral and non-polar, with threonine, which is neutral and polar, at codon 1172 of the ATP7A protein (p.Ala1172Thr). This variant is present in population databases (no rsID available, gnomAD 0.005%). This variant has not been reported in the literature in individuals affected with ATP7A-related conditions. Algorithms developed to predict the effect of missense changes on protein structure and function output the following: SIFT: "Not Available"; PolyPhen-2: "Benign"; Align-GVGD: "Not Available". The threonine amino acid residue is found in multiple mammalian species, which suggests that this missense change does not adversely affect protein function. In summary, the available evidence is currently insufficient to determine the role of this variant in disease. Therefore, it has been classified as a Variant of Uncertain Significance.